The following is an entry in ClinVar:

NM_006031.6(PCNT):c.7482C>G (p.Ile2494Met)

Gene: PCNT (pericentrin; plus strand). Cytogenetic location: 21q22.3.
Variant type: single nucleotide variant.
Coding change: c.7482C>G on transcript NM_006031.6 (MANE Select); coding-DNA position 7482, C replaced by G.
Protein change: p.Ile2494Met; replaces isoleucine 2494 with methionine.
Molecular consequence: missense variant.
Genome position (GRCh38, 1-based): chr21:46,427,783, C>G. VCF-style: chr21-46427783-C-G. GRCh37 (hg19) VCF-style: chr21-47847697-C-G.
Other names: c.7128C>G, p.Ile2376Met (NM_001315529.2); c.7482C>G (NM_006031.5); short protein forms I2494M, I2376M.
Identifiers: ClinVar variation 1908656 (VCV001908656.4), dbSNP rs761313913, ClinGen allele CA10080659.

ClinVar aggregate classification (germline): Uncertain significance. Review status: criteria provided, single submitter (1 of 4 stars). 2 submissions from 2 submitters: Uncertain significance (1). 1 of the submissions does not count toward it. Last evaluated 2025-06-12.

Conditions:
PCNT-related disorder. Also called: PCNT-related condition.

Allele frequency attached by ClinVar (database versions not stated): ExAC 0.00002.
gnomAD v4.1: 2 of 1,613,464 alleles (0.00012%); highest among the groups gnomAD compares: Admixed American, 0.0033%; no homozygotes.

Submissions (2):

Labcorp Genetics (formerly Invitae), Labcorp
Classification: Uncertain significance. Last evaluated: 2025-06-12. Review status: criteria provided, single submitter. Criteria: Invitae Variant Classification Sherloc (09022015). Collection method: clinical testing. Allele origin: germline.
Comment: This sequence change replaces isoleucine, which is neutral and non-polar, with methionine, which is neutral and non-polar, at codon 2494 of the PCNT protein (p.Ile2494Met). This variant is present in population databases (rs761313913, gnomAD 0.006%). This variant has not been reported in the literature in individuals affected with PCNT-related conditions. ClinVar contains an entry for this variant (Variation ID: 1908656). An algorithm developed to predict the effect of missense changes on protein structure and function (PolyPhen-2) suggests that this variant is likely to be tolerated. In summary, the available evidence is currently insufficient to determine the role of this variant in disease. Therefore, it has been classified as a Variant of Uncertain Significance.

PreventionGenetics, part of Exact Sciences
Classification: Uncertain significance for PCNT-related condition. Last evaluated: 2024-07-24. Review status: no assertion criteria provided. Collection method: clinical testing. Allele origin: germline. Not counted in ClinVar's aggregate classification.
Comment: The PCNT c.7482C>G variant is predicted to result in the amino acid substitution p.Ile2494Met. To our knowledge, this variant has not been reported in the literature. This variant is reported in 0.0058% of alleles in individuals of Latino descent in gnomAD. At this time, the clinical significance of this variant is uncertain due to the absence of conclusive functional and genetic evidence.